The following is an entry in ClinVar:

NM_006059.4(LAMC3):c.493G>A (p.Ala165Thr)

Gene: LAMC3 (laminin subunit gamma 3; plus strand). Cytogenetic location: 9q34.12.
Variant type: single nucleotide variant.
Coding change: c.493G>A on transcript NM_006059.4 (MANE Select); coding-DNA position 493, G replaced by A.
Protein change: p.Ala165Thr; replaces alanine 165 with threonine.
Molecular consequence: missense variant.
Genome position (GRCh38, 1-based): chr9:131,026,404, G>A. VCF-style: chr9-131026404-G-A. GRCh37 (hg19) VCF-style: chr9-133901791-G-A.
Other names: short protein forms A165T.
Identifiers: ClinVar variation 975585 (VCV000975585.3), dbSNP rs367598489, ClinGen allele CA5286708.

ClinVar aggregate classification (germline): Uncertain significance. Review status: criteria provided, single submitter (1 of 4 stars). 2 submissions from 2 submitters: Uncertain significance (1). 1 of the submissions does not count toward it. Last evaluated 2022-05-07.

Conditions:
Intellectual disability. Also called: intellectual disabilities; Intellectual developmental disorder; Intellectual functioning disability. Identifiers: MedGen C3714756, MeSH D008607, MONDO:0001071, HP:0001249.

Allele frequency attached by ClinVar (database versions not stated): gnomAD exomes 0.00004; TOPMed 0.00001; ExAC 0.00004; gnomAD 0.00001; ESP Exome Variant Server 0.00008.
gnomAD v4.1: 55 of 1,613,972 alleles (0.0034%); highest among the groups gnomAD compares: Non-Finnish European, 0.0045%; no homozygotes.

Submissions (2):

Labcorp Genetics (formerly Invitae), Labcorp
Classification: Uncertain significance. Last evaluated: 2022-05-07. Review status: criteria provided, single submitter. Criteria: Invitae Variant Classification Sherloc (09022015). Collection method: clinical testing. Allele origin: germline.
Comment: This sequence change replaces alanine, which is neutral and non-polar, with threonine, which is neutral and polar, at codon 165 of the LAMC3 protein (p.Ala165Thr). This variant is present in population databases (rs367598489, gnomAD 0.007%). This variant has not been reported in the literature in individuals affected with LAMC3-related conditions. ClinVar contains an entry for this variant (Variation ID: 975585). Algorithms developed to predict the effect of missense changes on protein structure and function are either unavailable or do not agree on the potential impact of this missense change (SIFT: "Deleterious"; PolyPhen-2: "Probably Damaging"; Align-GVGD: "Class C0"). In summary, the available evidence is currently insufficient to determine the role of this variant in disease. Therefore, it has been classified as a Variant of Uncertain Significance.

Centre de Biologie Pathologie Génétique, Centre Hospitalier Universitaire de Lille
Classification: Likely benign for Intellectual disability. Last evaluated: 2019-01-01. Review status: no assertion criteria provided. Collection method: clinical testing. Allele origin: inherited. Affected: yes. Not counted in ClinVar's aggregate classification.